The following is an entry in ClinVar:

NM_020937.4(FANCM):c.5005T>G (p.Leu1669Val)

Gene: FANCM (FA complementation group M; plus strand). Cytogenetic location: 14q21.2.
Variant type: single nucleotide variant.
Coding change: c.5005T>G on transcript NM_020937.4 (MANE Select); coding-DNA position 5005, T replaced by G.
Protein change: p.Leu1669Val; replaces leucine 1669 with valine.
Molecular consequence: missense variant.
Genome position (GRCh38, 1-based): chr14:45,189,027, T>G. VCF-style: chr14-45189027-T-G. GRCh37 (hg19) VCF-style: chr14-45658230-T-G.
Other names: c.4927T>G, p.Leu1643Val (NM_001308133.2); short protein forms L1643V, L1669V.
Identifiers: ClinVar variation 3722294 (VCV003722294.2).
Genomic context (GRCh38, chr14:45,189,027, plus strand): 5'-CTAAAAGAAATGATGGAACAAAATTGTGCACATTCAAAAAAGAAATTATCCAGAATTATT[T>G]TACCAGATGATTCAAGTGAGGAGGAGAACAATGTAAATGATAAAAGAGAATCTAATATTG-3'
Protein context (NP_065988.1, residues 1659-1679): HSKKKLSRII[Leu1669Val]PDDSSEEENN

ClinVar aggregate classification (germline): Uncertain significance (1 of 4 stars; one submission).

Conditions:
Fanconi anemia (FA). Also called: Fanconi's anemia. Identifiers: Orphanet 84, MedGen C0015625, MeSH D005199, MONDO:0019391.

Submission:

Labcorp Genetics (formerly Invitae), Labcorp
Classification: Uncertain significance for Fanconi anemia. Last evaluated: 2024-10-06. Review status: criteria provided, single submitter. Criteria: Invitae Variant Classification Sherloc (09022015). Collection method: clinical testing. Allele origin: germline.
Comment: This sequence change replaces leucine, which is neutral and non-polar, with valine, which is neutral and non-polar, at codon 1669 of the FANCM protein (p.Leu1669Val). This variant is not present in population databases (gnomAD no frequency). This variant has not been reported in the literature in individuals affected with FANCM-related conditions. An algorithm developed to predict the effect of missense changes on protein structure and function outputs the following: PolyPhen-2: "Benign". The valine amino acid residue is found in multiple mammalian species, which suggests that this missense change does not adversely affect protein function. In summary, the available evidence is currently insufficient to determine the role of this variant in disease. Therefore, it has been classified as a Variant of Uncertain Significance.